The following is an entry in ClinVar:

NM_001258392.3(CLPB):c.1514C>T (p.Thr505Ile)

Gene: CLPB (ClpB family mitochondrial disaggregase; minus strand). Cytogenetic location: 11q13.4.
Variant type: single nucleotide variant.
Coding change: c.1514C>T on transcript NM_001258392.3 (MANE Select); coding-DNA position 1514, C replaced by T.
Protein change: p.Thr505Ile; replaces threonine 505 with isoleucine.
Molecular consequence: missense variant.
Genome position (GRCh38, 1-based): chr11:72,294,666, G>A on the plus strand (C>T on the coding strand, the complement: CLPB is on the minus strand). VCF-style: chr11-72294666-G-A. GRCh37 (hg19) VCF-style: chr11-72005710-G-A.
Other names: c.1604C>T (NM_030813.3); c.1427C>T, p.Thr476Ile (NM_001258393.3); c.1469C>T, p.Thr490Ile (NM_001258394.3); c.1604C>T, p.Thr535Ile (NM_030813.6); short protein forms T490I, T535I, T505I, T476I.
Identifiers: ClinVar variation 946761 (VCV000946761.13), dbSNP rs200812003, ClinGen allele CA6171139.

ClinVar aggregate classification (germline): Uncertain significance. Review status: criteria provided, multiple submitters, no conflicts (2 of 4 stars). 3 submissions from 3 submitters: Uncertain significance (3). Last evaluated 2026-05-02.

Conditions:
Inborn genetic diseases. Identifiers: MedGen C0950123, MeSH D030342.
CLPB-related disorder. Also called: CLPB-related condition.
3-methylglutaconic aciduria, type VIIB (MGCA7B). Also called: CLPB Deficiency; 3-methylglutaconic aciduria with cataracts, neurologic involvement and neutropenia; 3-methylglutaconic aciduria, type VII, with cataracts, neurologic involvement and neutropenia. Identifiers: Orphanet 445038, MedGen C5676893, MONDO:0014561, OMIM 616271.

Allele frequency attached by ClinVar (database versions not stated): ExAC 0.00008; TOPMed 0.00014; ESP Exome Variant Server 0.00015.
gnomAD v4.1: 297 of 1,614,006 alleles (0.018%); highest among the groups gnomAD compares: Non-Finnish European, 0.024%; 1 homozygote.

Submissions (3):

PreventionGenetics, part of Exact Sciences
Classification: Uncertain significance for CLPB-related condition. Last evaluated: 2026-05-02. Review status: criteria provided, single submitter. Criteria: ACMG Guidelines, 2015. Collection method: clinical testing. Allele origin: germline.
Comment: The CLPB c.1604C>T variant is predicted to result in the amino acid substitution p.Thr535Ile. To our knowledge, this variant has not been reported in the literature. This variant is reported in 0.025% of alleles in individuals of European (Non-Finnish) descent in gnomAD and is interpreted as variant of uncertain significance in ClinVar (Variation ID: 946761). At this time, the clinical significance of this variant is uncertain due to the absence of conclusive functional and genetic evidence.

Labcorp Genetics (formerly Invitae), Labcorp
Classification: Uncertain significance for 3-methylglutaconic aciduria, type VIIB. Last evaluated: 2025-12-15. Review status: criteria provided, single submitter. Criteria: Invitae Variant Classification Sherloc (09022015). Collection method: clinical testing. Allele origin: germline.
Comment: This sequence change replaces threonine, which is neutral and polar, with isoleucine, which is neutral and non-polar, at codon 535 of the CLPB protein (p.Thr535Ile). This variant is present in population databases (rs200812003, gnomAD 0.02%). This variant has not been reported in the literature in individuals affected with CLPB-related conditions. ClinVar contains an entry for this variant (Variation ID: 946761). An algorithm developed to predict the effect of missense changes on protein structure and function (PolyPhen-2) suggests that this variant is likely to be disruptive. In summary, the available evidence is currently insufficient to determine the role of this variant in disease. Therefore, it has been classified as a Variant of Uncertain Significance.

Ambry Genetics
Classification: Uncertain significance for Inborn genetic diseases. Last evaluated: 2023-05-04. Review status: criteria provided, single submitter. Criteria: Ambry Variant Classification Scheme 2023. Collection method: clinical testing. Allele origin: germline.